The following is an entry in ClinVar:

NM_152906.7(TANGO2):c.455C>T (p.Thr152Ile)

Gene: TANGO2 (transport and golgi organization 2 homolog; plus strand). Cytogenetic location: 22q11.21.
Variant type: single nucleotide variant.
Coding change: c.455C>T on transcript NM_152906.7 (MANE Select); coding-DNA position 455, C replaced by T.
Protein change: p.Thr152Ile; replaces threonine 152 with isoleucine.
Molecular consequence: missense variant. On other transcripts: non-coding transcript variant (3), intron variant (4).
Genome position (GRCh38, 1-based): chr22:20,061,533, C>T. VCF-style: chr22-20061533-C-T. GRCh37 (hg19) VCF-style: chr22-20049056-C-T.
Other names: c.455C>T, p.Thr152Ile (NM_001283106.3, NM_001283116.3, NM_001283148.3 and 2 more transcripts); c.578C>T, p.Thr193Ile (NM_001283129.3, NM_001322141.2, NM_001322143.2 and 1 more transcripts); c.269C>T, p.Thr90Ile (NM_001283179.3, NM_001283186.3, NM_001322163.2 and 3 more transcripts); c.161C>T, p.Thr54Ile (NM_001283235.3, NM_001322150.2, NM_001322153.2 and 6 more transcripts); c.392C>T, p.Thr131Ile (NM_001322145.2, NM_001322147.2); c.353C>T, p.Thr118Ile (NM_001322146.2, NM_001322148.2, NM_001322160.2); c.381-1805C>T (NM_001283199.3); c.575-3009C>T (NM_001283215.3); and 2 more; short protein forms T118I, T131I, T193I, T54I, T90I, T152I.
Identifiers: ClinVar variation 2134335 (VCV002134335.1), dbSNP rs369498657, ClinGen allele CA10106461.

ClinVar aggregate classification (germline): Uncertain significance (1 of 4 stars; one submission).

Allele frequency attached by ClinVar (database versions not stated): gnomAD exomes below 0.00001; ESP Exome Variant Server 0.00008.
gnomAD v4.1: 4 of 1,604,422 alleles (0.00025%); highest among the groups gnomAD compares: East Asian, 0.0022%; no homozygotes.

Submission:

Labcorp Genetics (formerly Invitae), Labcorp
Classification: Uncertain significance. Last evaluated: 2022-05-31. Review status: criteria provided, single submitter. Criteria: Invitae Variant Classification Sherloc (09022015). Collection method: clinical testing. Allele origin: germline.
Comment: This sequence change replaces threonine, which is neutral and polar, with isoleucine, which is neutral and non-polar, at codon 152 of the TANGO2 protein (p.Thr152Ile). This variant is present in population databases (rs369498657, gnomAD 0.001%). This variant has not been reported in the literature in individuals affected with TANGO2-related conditions. Algorithms developed to predict the effect of missense changes on protein structure and function output the following: SIFT: "Not Available"; PolyPhen-2: "Benign"; Align-GVGD: "Not Available". The isoleucine amino acid residue is found in multiple mammalian species, which suggests that this missense change does not adversely affect protein function. In summary, the available evidence is currently insufficient to determine the role of this variant in disease. Therefore, it has been classified as a Variant of Uncertain Significance.